The following is an entry in ClinVar:

NM_001271.4(CHD2):c.1470A>C (p.Glu490Asp)

Gene: CHD2 (chromodomain helicase DNA binding protein 2; plus strand). Cytogenetic location: 15q26.1.
Variant type: single nucleotide variant.
Coding change: c.1470A>C on transcript NM_001271.4 (MANE Select); coding-DNA position 1470, A replaced by C.
Protein change: p.Glu490Asp; replaces glutamic acid 490 with aspartic acid.
Molecular consequence: missense variant.
Genome position (GRCh38, 1-based): chr15:92,949,044, A>C. VCF-style: chr15-92949044-A-C. GRCh37 (hg19) VCF-style: chr15-93492274-A-C.
Other names: c.1470A>C, p.Glu490Asp (NM_001042572.3); short protein forms E490D.
Identifiers: ClinVar variation 3381694 (VCV003381694.1).

ClinVar aggregate classification (germline): Uncertain significance (1 of 4 stars; one submission).

Submission:

GeneDx
Classification: Uncertain significance. Last evaluated: 2024-05-21. Review status: criteria provided, single submitter. Criteria: GeneDx Variant Classification Process June 2021. Collection method: clinical testing. Allele origin: germline. Affected: yes.
Comment: Not observed at significant frequency in large population cohorts (gnomAD); In silico analysis indicates that this missense variant does not alter protein structure/function; Has not been previously published as pathogenic or benign to our knowledge